The following is an entry in ClinVar:

ClinVar aggregate classification (germline): Uncertain significance (1 of 4 stars; one submission).

Conditions:
MHC class I deficiency. Identifiers: Orphanet 34592, MedGen C6024714, MONDO:0011476.

Allele frequency attached by ClinVar (database versions not stated): TOPMed 0.00001; gnomAD exomes 0.00001.
gnomAD v4.1: 10 of 1,612,468 alleles (0.00062%); highest among the groups gnomAD compares: Non-Finnish European, 0.00085%; no homozygotes.

Submission:

Labcorp Genetics (formerly Invitae), Labcorp
Classification: Uncertain significance for MHC class I deficiency 1. Last evaluated: 2025-09-10. Review status: criteria provided, single submitter. Criteria: Invitae Variant Classification Sherloc (09022015). Collection method: clinical testing. Allele origin: germline.
Comment: This sequence change replaces proline, which is neutral and non-polar, with alanine, which is neutral and non-polar, at codon 368 of the TAPBP protein (p.Pro368Ala). This variant is present in population databases (no rsID available, gnomAD 0.0009%). This variant has not been reported in the literature in individuals affected with TAPBP-related conditions. ClinVar contains an entry for this variant (Variation ID: 1385010). An algorithm developed to predict the effect of missense changes on protein structure and function (PolyPhen-2) suggests that this variant is likely to be tolerated. Algorithms developed to predict the effect of sequence changes on RNA splicing suggest that this variant may create or strengthen a splice site. In summary, the available evidence is currently insufficient to determine the role of this variant in disease. Therefore, it has been classified as a Variant of Uncertain Significance.

NM_003190.5(TAPBP):c.1102C>G (p.Pro368Ala)

Gene: TAPBP (TAP binding protein; minus strand). Cytogenetic location: 6p21.32.
Variant type: single nucleotide variant.
Coding change: c.1102C>G on transcript NM_003190.5 (MANE Select); coding-DNA position 1102, C replaced by G.
Protein change: p.Pro368Ala; replaces proline 368 with alanine.
Molecular consequence: missense variant.
Genome position (GRCh38, 1-based): chr6:33,304,405, G>C on the plus strand (C>G on the coding strand, the complement: TAPBP is on the minus strand). VCF-style: chr6-33304405-G-C. GRCh37 (hg19) VCF-style: chr6-33272182-G-C.
Other names: c.1102C>G, p.Pro368Ala (NM_172208.3); c.841C>G, p.Pro281Ala (NM_172209.3); short protein forms P368A, P281A.
Identifiers: ClinVar variation 1385010 (VCV001385010.6), dbSNP rs774631452, ClinGen allele CA137089015.